The following is an entry in ClinVar:

ClinVar aggregate classification (germline): Pathogenic (1 of 4 stars; one submission).

Submission:

GeneDx
Classification: Pathogenic. Last evaluated: 2025-01-13. Review status: criteria provided, single submitter. Criteria: GeneDx Variant Classification Process June 2021. Collection method: clinical testing. Allele origin: germline. Affected: yes.
Comment: Canonical splice site variant predicted to result in a null allele in a gene for which loss of function is a known mechanism of disease; Not observed at significant frequency in large population cohorts (gnomAD); Has not been previously published as pathogenic or benign to our knowledge

NM_003590.5(CUL3):c.883+2T>C

Gene: CUL3 (cullin 3; minus strand). Cytogenetic location: 2q36.2.
Variant type: single nucleotide variant.
Coding change: c.883+2T>C on transcript NM_003590.5 (MANE Select); the canonical splice donor site of the intron after coding-DNA position 883, T replaced by C.
Molecular consequence: splice donor variant.
Genome position (GRCh38, 1-based): chr2:224,511,352, A>G on the plus strand (T>C on the coding strand, the complement: CUL3 is on the minus strand). VCF-style: chr2-224511352-A-G. GRCh37 (hg19) VCF-style: chr2-225376069-A-G.
Other names: c.685+2T>C (NM_001257197.2); c.901+2T>C (NM_001257198.2).
Identifiers: ClinVar variation 4056886 (VCV004056886.1).